The following is an entry in ClinVar:

NM_177438.3(DICER1):c.4376G>C (p.Gly1459Ala)

Gene: DICER1 (dicer 1, ribonuclease III; minus strand). Cytogenetic location: 14q32.13.
Variant type: single nucleotide variant.
Coding change: c.4376G>C on transcript NM_177438.3 (MANE Select); coding-DNA position 4376, G replaced by C.
Protein change: p.Gly1459Ala; replaces glycine 1459 with alanine.
Molecular consequence: missense variant. On other transcripts: non-coding transcript variant (6).
Genome position (GRCh38, 1-based): chr14:95,096,544, C>G on the plus strand (G>C on the coding strand, the complement: DICER1 is on the minus strand). VCF-style: chr14-95096544-C-G. GRCh37 (hg19) VCF-style: chr14-95562881-C-G.
Other names: c.4376G>C, p.Gly1459Ala (NM_001195573.1, NM_001271282.3, NM_001291628.2 and 13 more transcripts); c.4094G>C, p.Gly1365Ala (NM_001395686.1); c.3971G>C, p.Gly1324Ala (NM_001395687.1, NM_001395688.1, NM_001395689.1 and 2 more transcripts); c.3809G>C, p.Gly1270Ala (NM_001395691.1); c.2693G>C, p.Gly898Ala (NM_001395697.1); short protein forms G1270A, G1324A, G1365A, G1459A, G898A.
Identifiers: ClinVar variation 3229408 (VCV003229408.1), dbSNP rs1043584252, ClinGen allele CA390868959.
Genomic context (GRCh38, chr14:95,096,544, plus strand): 5'-TATGCAGAATCAGTGGTTGAAAAAGGAGAAAGAGAGATTTTCTTTACAAAAGCTCCTGAC[C>G]CCATTAACATATTATCTATAAATCTGATATGTTCCTGATCATACTCCAGGAAATCATCTT-3'
Protein context (NP_803187.1, residues 1449-1469): HIRFIDNMLM[Gly1459Ala]SGAFVKKISL

ClinVar aggregate classification (germline): Uncertain significance (1 of 4 stars; one submission).

Conditions:
Hereditary cancer-predisposing syndrome. Also called: Neoplastic Syndromes, Hereditary; Tumor predisposition; Hereditary neoplastic syndrome; Hereditary Cancer Syndrome. Identifiers: Orphanet 140162, MedGen C0027672, MeSH D009386, MONDO:0015356.

Submission:

Ambry Genetics
Classification: Uncertain significance for Hereditary cancer-predisposing syndrome. Last evaluated: 2023-09-27. Review status: criteria provided, single submitter. Criteria: Ambry Variant Classification Scheme 2023. Collection method: clinical testing. Allele origin: germline.
Comment: The p.G1459A variant (also known as c.4376G>C), located in coding exon 22 of the DICER1 gene, results from a G to C substitution at nucleotide position 4376. The glycine at codon 1459 is replaced by alanine, an amino acid with similar properties. This amino acid position is conserved. In addition, this alteration is predicted to be deleterious by in silico analysis. Since supporting evidence is limited at this time, the clinical significance of this alteration remains unclear.